The following is an entry in ClinVar:

NM_001372.4(DNAH9):c.4350G>T (p.Gln1450His)

Gene: DNAH9 (dynein axonemal heavy chain 9; plus strand). Cytogenetic location: 17p12.
Variant type: single nucleotide variant.
Coding change: c.4350G>T on transcript NM_001372.4 (MANE Select); coding-DNA position 4350, G replaced by T.
Protein change: p.Gln1450His; replaces glutamine 1450 with histidine.
Molecular consequence: missense variant.
Genome position (GRCh38, 1-based): chr17:11,690,172, G>T. VCF-style: chr17-11690172-G-T. GRCh37 (hg19) VCF-style: chr17-11593489-G-T.
Other names: short protein forms Q1450H.
Identifiers: ClinVar variation 2801520 (VCV002801520.3), dbSNP rs1024274999, ClinGen allele CA398187376.

ClinVar aggregate classification (germline): Uncertain significance (1 of 4 stars; one submission).

gnomAD v4.1: 2 of 1,614,220 alleles (0.00012%); highest among the groups gnomAD compares: Non-Finnish European, 0.00017%; no homozygotes.

Submission:

Labcorp Genetics (formerly Invitae), Labcorp
Classification: Uncertain significance. Last evaluated: 2023-11-11. Review status: criteria provided, single submitter. Criteria: Invitae Variant Classification Sherloc (09022015). Collection method: clinical testing. Allele origin: germline.
Comment: This sequence change replaces glutamine, which is neutral and polar, with histidine, which is basic and polar, at codon 1450 of the DNAH9 protein (p.Gln1450His). This variant is not present in population databases (gnomAD no frequency). This variant has not been reported in the literature in individuals affected with DNAH9-related conditions. Advanced modeling of protein sequence and biophysical properties (such as structural, functional, and spatial information, amino acid conservation, physicochemical variation, residue mobility, and thermodynamic stability) performed at Invitae indicates that this missense variant is expected to disrupt DNAH9 protein function with a positive predictive value of 80%. In summary, the available evidence is currently insufficient to determine the role of this variant in disease. Therefore, it has been classified as a Variant of Uncertain Significance.